The following is an entry in ClinVar:

NM_001014447.3(CPZ):c.1884C>T (p.Asp628=)

Gene: CPZ (carboxypeptidase Z; plus strand). Cytogenetic location: 4p16.1.
Variant type: single nucleotide variant.
Coding change: c.1884C>T on transcript NM_001014447.3 (MANE Select); coding-DNA position 1884, C replaced by T.
Protein change: p.Asp628=; no amino-acid change (aspartic acid 628 retained).
Molecular consequence: synonymous variant.
Genome position (GRCh38, 1-based): chr4:8,619,542, C>T. VCF-style: chr4-8619542-C-T. GRCh37 (hg19) VCF-style: chr4-8621269-C-T.
Other names: c.1473C>T, p.Asp491= (NM_001014448.3); c.1851C>T, p.Asp617= (NM_003652.4).
Identifiers: ClinVar variation 3037844 (VCV003037844.2), dbSNP rs61734024, ClinGen allele CA2854158.

ClinVar aggregate classification (germline): Benign (0 of 4 stars; one submission).

Conditions:
CPZ-related disorder. Also called: CPZ-related condition.

Allele frequency attached by ClinVar (database versions not stated): 1000 Genomes Project 0.00839; 1000 Genomes Project 30x 0.00890; TOPMed 0.01282; ExAC 0.01311; ESP Exome Variant Server 0.01623.
gnomAD v4.1: 21,369 of 1,570,306 alleles (1.4%); highest among the groups gnomAD compares: Middle Eastern, 3.7%; 178 homozygotes.

Submission:

PreventionGenetics, part of Exact Sciences
Classification: Benign for CPZ-related condition. Last evaluated: 2019-11-13. Review status: no assertion criteria provided. Collection method: clinical testing. Allele origin: germline.
Comment: This variant is classified as benign based on ACMG/AMP sequence variant interpretation guidelines (Richards et al. 2015 PMID: 25741868, with internal and published modifications).